The following is an entry in ClinVar:

ClinVar aggregate classification (germline): Conflicting classifications of pathogenicity. Review status: criteria provided, conflicting classifications (1 of 4 stars). 2 submissions from 2 submitters: Uncertain significance (1); Likely benign (1). Last evaluated 2025-05-30.

Conditions:
PTPRJ-related disorder. Also called: PTPRJ-related condition.

Allele frequency attached by ClinVar (database versions not stated): gnomAD exomes 0.00027 and 0.00062; ExAC 0.00040; gnomAD 0.00062 and 0.00063; TOPMed 0.00076; 1000 Genomes Project 30x 0.00078; 1000 Genomes Project 0.00080.

Submissions (2):

PreventionGenetics, part of Exact Sciences
Classification: Likely benign for PTPRJ-related condition. Last evaluated: 2025-05-30. Review status: criteria provided, single submitter. Criteria: ACMG Guidelines, 2015. Collection method: clinical testing. Allele origin: germline.
Comment: This variant is classified as likely benign based on ACMG/AMP sequence variant interpretation guidelines (Richards et al. 2015 PMID: 25741868, with internal and published modifications).

Genetic Services Laboratory, University of Chicago
Classification: Uncertain significance. Last evaluated: 2020-05-19. Review status: criteria provided, single submitter. Criteria: ACMG Guidelines, 2015. Collection method: clinical testing. Allele origin: germline. Affected: no.
Comment: DNA sequence analysis of the PTPRJ gene demonstrated a sequence change, c.2182G>A, in exon 11 that results in an amino acid change, p.Glu728Lys. This sequence change does not appear to have been previously described in patients with PTPRJ-related disorders and has been described in the gnomAD database with a relatively high population frequency of 0.32% in Latino subpopulation (dbSNP rs181029182). The p.Glu728Lys change affects a highly conserved amino acid residue located in a domain of the PTPRJ protein that is known to be functional. In-silico pathogenicity prediction tools (SIFT, PolyPhen2, Align GVGD, REVEL) provide contradictory results for the p.Glu728Lys substitution. Due to these contrasting evidences and the lack of functional studies, the clinical significance of the p.Glu728Lys change remains unknown at this time.

NM_002843.4(PTPRJ):c.2182G>A (p.Glu728Lys)

Gene: PTPRJ (protein tyrosine phosphatase receptor type J; plus strand). Cytogenetic location: 11p11.2.
Variant type: single nucleotide variant.
Coding change: c.2182G>A on transcript NM_002843.4 (MANE Select); coding-DNA position 2182, G replaced by A.
Protein change: p.Glu728Lys; replaces glutamic acid 728 with lysine.
Molecular consequence: missense variant.
Genome position (GRCh38, 1-based): chr11:48,139,515, G>A. VCF-style: chr11-48139515-G-A. GRCh37 (hg19) VCF-style: chr11-48161067-G-A.
Other names: short protein forms E728K.
Identifiers: ClinVar variation 1336046 (VCV001336046.5), dbSNP rs181029182, ClinGen allele CA5982377.
Genomic context (GRCh38, chr11:48,139,515, plus strand): 5'-AATCTCATGCTGTGCTGTACTTGCTTTGCAGATCCTGCGTCCATGGCCTCCTTCGACTGC[G>A]AAGTGGTCCCCAAAGAGCCAGCCCTGGTTCTCAAATGGACCTGCCCTCCTGGCGCCAATG-3'
Protein context (NP_002834.3, residues 718-738): DPASMASFDC[Glu728Lys]VVPKEPALVL